The following is an entry in ClinVar:

NM_000045.4(ARG1):c.372dup (p.Ala125fs)

Genes: ARG1 (arginase 1; plus strand), MED23 (mediator complex subunit 23; minus strand). Cytogenetic location: 6q23.2.
Variant type: Duplication.
Coding change: c.372dup on transcript NM_000045.4 (MANE Select); coding-DNA position 372, one base duplicated (T; older notation c.372dupT).
Protein change: p.Ala125fs; shifts the reading frame from alanine 125.
Molecular consequence: frameshift variant. On other transcripts: non-coding transcript variant (1), intron variant (3).
Genome position (GRCh38, 1-based): chr6:131,581,285, T duplicated. VCF-style (leftmost placement, unchanged base first): chr6-131581284-A-AT. GRCh37 (hg19) VCF-style: chr6-131902424-A-AT.
Other names: c.396dup, p.Ala133fs (NM_001244438.2); c.306-1775dup (NM_001369020.1); c.4077+6424dup (NM_001270521.2); c.4095+6424dup (NM_015979.4); c.372dupT (NM_000045.3); short protein forms A125fs, A133fs.
Identifiers: ClinVar variation 553898 (VCV000553898.12), dbSNP rs776939220, ClinGen allele CA3999244.
Genomic context (GRCh38, chr6:131,581,284, plus strand): 5'-CAATTGGAAGCATCTCTGGCCATGCCAGGGTCCACCCTGATCTTGGAGTCATCTGGGTGG[A>AT]TGCTCACACTGATATCAACACTCCACTGACAACCACAAGTGGAAACTTGCATGGACAACC-3'

ClinVar aggregate classification (germline): Pathogenic/Likely pathogenic. Review status: criteria provided, multiple submitters, no conflicts (2 of 4 stars). 3 submissions from 3 submitters: Pathogenic (1); Likely pathogenic (1). 1 of the submissions does not count toward it. Last evaluated 2024-05-07.

Conditions:
Arginase deficiency. Also called: ARGININEMIA; ARG1 DEFICIENCY; Arginase 1 Deficiency. Identifiers: Orphanet 90, MedGen C0268548, MONDO:0008814, OMIM 207800.

Allele frequency attached by ClinVar (database versions not stated): gnomAD exomes below 0.00001 and 0.00001; ExAC 0.00001.

Submissions (3):

Fulgent Genetics
Classification: Likely pathogenic for Arginase deficiency. Last evaluated: 2024-05-07. Review status: criteria provided, single submitter. Criteria: ACMG Guidelines, 2015. Collection method: clinical testing. Allele origin: germline.

Labcorp Genetics (formerly Invitae), Labcorp
Classification: Pathogenic for Arginase deficiency. Last evaluated: 2019-12-09. Review status: criteria provided, single submitter. Criteria: Invitae Variant Classification Sherloc (09022015). Collection method: clinical testing. Allele origin: germline.
Comment: This sequence change creates a premature translational stop signal (p.Ala125Cysfs*4) in the ARG1 gene. It is expected to result in an absent or disrupted protein product. This variant is present in population databases (rs776939220, ExAC 0.002%). This variant has not been reported in the literature in individuals with ARG1-related conditions. ClinVar contains an entry for this variant (Variation ID: 553898). Loss-of-function variants in ARG1 are known to be pathogenic (PMID: 7649538, 12052859). For these reasons, this variant has been classified as Pathogenic.

Counsyl
Classification: Likely pathogenic for Arginase deficiency. Last evaluated: 2017-09-19. Review status: no assertion criteria provided. Collection method: clinical testing. Allele origin: unknown. Not counted in ClinVar's aggregate classification.

Literature cited by the submitters: PubMed 7649538 (cited by Labcorp Genetics (formerly Invitae), Labcorp); PubMed 12052859 (cited by Labcorp Genetics (formerly Invitae), Labcorp).